The following is an entry in ClinVar:

ClinVar aggregate classification (germline): Pathogenic/Likely pathogenic. Review status: criteria provided, multiple submitters, no conflicts (2 of 4 stars). 2 submissions from 2 submitters: Pathogenic (1); Likely pathogenic (1). Last evaluated 2025-06-29.

Conditions:
Hereditary spastic paraplegia 4. Also called: Spastic Paraplegia 4; Spastic paraplegia 4, autosomal dominant; Familial spastic paraplegia autosomal dominant 2. Identifiers: Orphanet 100985, MedGen C1866855, MONDO:0008438, OMIM 182601.

Submissions (2):

Labcorp Genetics (formerly Invitae), Labcorp
Classification: Likely pathogenic for Hereditary spastic paraplegia 4. Last evaluated: 2025-06-29. Review status: criteria provided, single submitter. Criteria: Invitae Variant Classification Sherloc (09022015). Collection method: clinical testing. Allele origin: germline.
Comment: This sequence change replaces alanine, which is neutral and non-polar, with threonine, which is neutral and polar, at codon 409 of the SPAST protein (p.Ala409Thr). This variant is not present in population databases (gnomAD no frequency). This missense change has been observed in individuals with hereditary spastic paraplegia (PMID: 20932283, 38301322). ClinVar contains an entry for this variant (Variation ID: 418502). Invitae Evidence Modeling of protein sequence and biophysical properties (such as structural, functional, and spatial information, amino acid conservation, physicochemical variation, residue mobility, and thermodynamic stability) indicates that this missense variant is not expected to disrupt SPAST protein function with a negative predictive value of 80%. This variant disrupts the p.Ala409 amino acid residue in SPAST. Other variant(s) that disrupt this residue have been determined to be pathogenic (PMID: 20932283, 31157359). This suggests that this residue is clinically significant, and that variants that disrupt this residue are likely to be disease-causing. In summary, the currently available evidence indicates that the variant is pathogenic, but additional data are needed to prove that conclusively. Therefore, this variant has been classified as Likely Pathogenic.

GeneDx
Classification: Pathogenic. Last evaluated: 2023-05-26. Review status: criteria provided, single submitter. Criteria: GeneDx Variant Classification Process June 2021. Collection method: clinical testing. Allele origin: germline. Affected: yes.
Comment: Identified in a patient with hereditary spastic paraplegia in published literature (Alverez et al., 2010); Not observed in large population cohorts (gnomAD); This variant is associated with the following publications: (PMID: 20932283, 21139634, 26094131, 22960362)

Literature cited by the submitters: PubMed 20932283 (cited by Labcorp Genetics (formerly Invitae), Labcorp); PubMed 38301322 (cited by Labcorp Genetics (formerly Invitae), Labcorp); PubMed 31157359 (cited by Labcorp Genetics (formerly Invitae), Labcorp).

NM_014946.4(SPAST):c.1225G>A (p.Ala409Thr)

Gene: SPAST (spastin; plus strand). Cytogenetic location: 2p22.3.
Variant type: single nucleotide variant.
Coding change: c.1225G>A on transcript NM_014946.4 (MANE Select); coding-DNA position 1225, G replaced by A.
Protein change: p.Ala409Thr; replaces alanine 409 with threonine.
Molecular consequence: missense variant.
Genome position (GRCh38, 1-based): chr2:32,128,459, G>A. VCF-style: chr2-32128459-G-A. GRCh37 (hg19) VCF-style: chr2-32353528-G-A.
Other names: c.1222G>A, p.Ala408Thr (NM_001363823.2); c.1126G>A, p.Ala376Thr (NM_001363875.2); c.1129G>A, p.Ala377Thr (NM_001377959.1, NM_199436.2); short protein forms A409T, A376T, A377T, A408T.
Identifiers: ClinVar variation 418502 (VCV000418502.9), dbSNP rs1064793273, ClinGen allele CA16617528.
Genomic context (GRCh38, chr2:32,128,459, plus strand): 5'-TTTTTAAAGGCTAAAGCAGTAGCTGCAGAATCGAATGCAACCTTCTTTAATATAAGTGCT[G>A]CAAGTTTAACTTCAAAATACGTGAGTGCTCTGTTTCCAATATTGTCGTATTTTAAGTTAC-3'
Protein context (NP_055761.2, residues 399-419): SNATFFNISA[Ala409Thr]SLTSKYVGEG